The following is an entry in ClinVar:

ClinVar aggregate classification (germline): Conflicting classifications of pathogenicity. Review status: criteria provided, conflicting classifications (1 of 4 stars). 4 submissions from 4 submitters: Likely pathogenic (1); Uncertain significance (2); Benign (1). Last evaluated 2025-03-10.

Conditions:
Metaphyseal chondrodysplasia, Schmid type (MCDS). Also called: SPONDYLOMETAPHYSEAL DYSPLASIA, JAPANESE TYPE. Identifiers: Orphanet 174, MedGen C0265289, MONDO:0007983, OMIM 156500.

Allele frequency attached by ClinVar (database versions not stated): TOPMed 0.00002; gnomAD 0.00003; ExAC 0.00004.
gnomAD v4.1: 125 of 1,613,772 alleles (0.0077%); highest among the groups gnomAD compares: Non-Finnish European, 0.0099%; 2 homozygotes.

Submissions (4):

Labcorp Genetics (formerly Invitae), Labcorp
Classification: Uncertain significance. Last evaluated: 2025-03-10. Review status: criteria provided, single submitter. Criteria: Invitae Variant Classification Sherloc (09022015). Collection method: clinical testing. Allele origin: germline.
Comment: This sequence change creates a premature translational stop signal (p.Arg258*) in the COL10A1 gene. While this is not anticipated to result in nonsense mediated decay, it is expected to disrupt the last 423 amino acid(s) of the COL10A1 protein. This variant is present in population databases (rs765628474, gnomAD 0.01%). This variant has not been reported in the literature in individuals affected with COL10A1-related conditions. ClinVar contains an entry for this variant (Variation ID: 907221). In summary, the available evidence is currently insufficient to determine the role of this variant in disease. Therefore, it has been classified as a Variant of Uncertain Significance.

Mendelics
Classification: Uncertain significance. Last evaluated: 2022-05-04. Review status: criteria provided, single submitter. Criteria: Mendelics Assertion Criteria 2019. Collection method: clinical testing. Allele origin: germline.

Institute of Human Genetics, University of Leipzig Medical Center
Classification: Likely pathogenic for Metaphyseal chondrodysplasia, Schmid type. Last evaluated: 2018-09-27. Review status: criteria provided, single submitter. Criteria: ACMG Guidelines, 2015. Collection method: clinical testing. Allele origin: germline. Affected: yes. Observed: 1 variant allele.

Illumina Laboratory Services, Illumina
Classification: Benign for Metaphyseal chondrodysplasia, Schmid type. Last evaluated: 2017-04-28. Review status: criteria provided, single submitter. Criteria: ICSL Variant Classification Criteria 13 December 2019. Collection method: clinical testing. Allele origin: germline.
Comment: This variant was observed in the ICSL laboratory as part of a predisposition screen in an ostensibly healthy population. It had not been previously curated by ICSL or reported in the Human Gene Mutation Database (HGMD: prior to June 1st, 2018), and was therefore a candidate for classification through an automated scoring system. Utilizing variant allele frequency, disease prevalence and penetrance estimates, and inheritance mode, an automated score was calculated to assess if this variant is too frequent to cause the disease. Based on the score and internal cut-off values, a variant classified as benign is not then subjected to further curation. The score for this variant resulted in a classification of benign for this disease.

NM_000493.4(COL10A1):c.772C>T (p.Arg258Ter)

Genes: NT5DC1 (5'-nucleotidase domain containing 1; plus strand), COL10A1 (collagen type X alpha 1 chain; minus strand). Cytogenetic location: 6q22.1.
Variant type: single nucleotide variant.
Coding change: c.772C>T on transcript NM_000493.4 (MANE Select); coding-DNA position 772, C replaced by T.
Protein change: p.Arg258Ter; replaces arginine 258 with a stop codon.
Molecular consequence: nonsense. On other transcripts: intron variant (1).
Genome position (GRCh38, 1-based): chr6:116,121,344, G>A on the plus strand (C>T on the coding strand, the complement: COL10A1 is on the minus strand). VCF-style: chr6-116121344-G-A. GRCh37 (hg19) VCF-style: chr6-116442507-G-A.
Other names: c.529+3399G>A (NM_152729.3); c.772C>T, p.Arg258Ter (NM_001424106.1, NM_001424107.1); short protein forms R258*.
Identifiers: ClinVar variation 907221 (VCV000907221.11), dbSNP rs765628474, ClinGen allele CA3968326.